The following is an entry in ClinVar:

NM_022356.4(P3H1):c.1839-2A>C

Gene: P3H1 (prolyl 3-hydroxylase 1; minus strand). Cytogenetic location: 1p34.2.
Variant type: single nucleotide variant.
Coding change: c.1839-2A>C on transcript NM_022356.4 (MANE Select); the canonical splice acceptor site of the intron before coding-DNA position 1839, A replaced by C.
Molecular consequence: splice acceptor variant.
Genome position (GRCh38, 1-based): chr1:42,747,800, T>G on the plus strand (A>C on the coding strand, the complement: P3H1 is on the minus strand). VCF-style: chr1-42747800-T-G. GRCh37 (hg19) VCF-style: chr1-43213471-T-G.
Other names: c.1839-2A>C (NM_001146289.2, NM_001243246.2).
Identifiers: ClinVar variation 982090 (VCV000982090.8), dbSNP rs755665899, ClinGen allele CA801666.

ClinVar aggregate classification (germline): Pathogenic/Likely pathogenic. Review status: criteria provided, multiple submitters, no conflicts (2 of 4 stars). 3 submissions from 3 submitters: Pathogenic (1); Likely pathogenic (2). Last evaluated 2023-04-11.

Conditions:
Osteogenesis imperfecta type 8 (OI8). Identifiers: MedGen C1970458, MONDO:0012581, OMIM 610915.

Allele frequency attached by ClinVar (database versions not stated): gnomAD exomes below 0.00001; ExAC 0.00001.

Submissions (3):

Genome-Nilou Lab
Classification: Likely pathogenic for Osteogenesis imperfecta type 8. Last evaluated: 2023-04-11. Review status: criteria provided, single submitter. Criteria: ACMG Guidelines, 2015. Collection method: clinical testing. Allele origin: germline. Affected: no.

Labcorp Genetics (formerly Invitae), Labcorp
Classification: Pathogenic for Osteogenesis imperfecta type 8. Last evaluated: 2021-10-10. Review status: criteria provided, single submitter. Criteria: Invitae Variant Classification Sherloc (09022015). Collection method: clinical testing. Allele origin: germline.
Comment: For these reasons, this variant has been classified as Pathogenic. Algorithms developed to predict the effect of sequence changes on RNA splicing suggest that this variant may disrupt the consensus splice site. ClinVar contains an entry for this variant (Variation ID: 982090). Disruption of this splice site has been observed in individual(s) with osteogenesis imperfecta (PMID: 29620724). This variant is present in population databases (rs755665899, ExAC 0.001%). This sequence change affects an acceptor splice site in intron 12 of the P3H1 gene. It is expected to disrupt RNA splicing. Variants that disrupt the donor or acceptor splice site typically lead to a loss of protein function (PMID: 16199547), and loss-of-function variants in P3H1 are known to be pathogenic (PMID: 17277775, 18566967, 19088120, 22281939).

Pathology and Clinical Laboratory Medicine, King Fahad Medical City
Classification: Likely pathogenic for Osteogenesis imperfecta type 8. Review status: criteria provided, single submitter. Criteria: ACMG Guidelines, 2015. Collection method: clinical testing. Allele origin: germline. Affected: yes. Observed: 4 variant alleles.

Literature cited by the submitters: PubMed 29620724 (cited by Labcorp Genetics (formerly Invitae), Labcorp); PubMed 16199547 (cited by Labcorp Genetics (formerly Invitae), Labcorp); PubMed 17277775 (cited by Labcorp Genetics (formerly Invitae), Labcorp); PubMed 18566967 (cited by Labcorp Genetics (formerly Invitae), Labcorp); PubMed 19088120 (cited by Labcorp Genetics (formerly Invitae), Labcorp); PubMed 22281939 (cited by Labcorp Genetics (formerly Invitae), Labcorp).